The following is an entry in ClinVar:

NM_001332.4(CTNND2):c.2723T>C (p.Val908Ala)

Gene: CTNND2 (catenin delta 2; minus strand). Cytogenetic location: 5p15.2.
Variant type: single nucleotide variant.
Coding change: c.2723T>C on transcript NM_001332.4 (MANE Select); coding-DNA position 2723, T replaced by C.
Protein change: p.Val908Ala; replaces valine 908 with alanine.
Molecular consequence: missense variant. On other transcripts: non-coding transcript variant (1).
Genome position (GRCh38, 1-based): chr5:11,082,761, A>G on the plus strand (T>C on the coding strand, the complement: CTNND2 is on the minus strand). VCF-style: chr5-11082761-A-G. GRCh37 (hg19) VCF-style: chr5-11082873-A-G.
Other names: c.2450T>C, p.Val817Ala (NM_001288715.1); c.1712T>C, p.Val571Ala (NM_001288716.1); c.1424T>C, p.Val475Ala (NM_001288717.2); c.1787T>C, p.Val596Ala (NM_001364128.2); short protein forms V908A, V571A, V596A, V817A, V475A.
Identifiers: ClinVar variation 391072 (VCV000391072.2), dbSNP rs905302639, ClinGen allele CA16604735.

ClinVar aggregate classification (germline): Uncertain significance (1 of 4 stars; one submission).

Allele frequency attached by ClinVar (database versions not stated): TOPMed below 0.00001; gnomAD exomes 0.00001.
gnomAD v4.1: 3 of 1,614,174 alleles (0.00019%); highest among the groups gnomAD compares: Non-Finnish European, 0.00025%; no homozygotes.

Submission:

GeneDx
Classification: Uncertain significance. Last evaluated: 2016-12-19. Review status: criteria provided, single submitter. Criteria: GeneDx Variant Classification (06012015). Collection method: clinical testing. Allele origin: germline. Affected: yes.
Comment: The V908A variant in the CTNND2 gene has not been reported previously as a pathogenic variant, nor as a benign variant, to our knowledge. The V908A variant was not observed in approximately 6500 individuals of European and African American ancestry in the NHLBI Exome Sequencing Project, indicating it is not a common benign variant in these populations. The V908A variant is a conservative amino acid substitution, which is not likely to impact secondary protein structure as these residues share similar properties. However, this substitution occurs at a position that is conserved across species, and in silico analysis predicts this variant is probably damaging to the protein structure/function. We interpret V908A as a variant of uncertain significance.